The following is an entry in ClinVar:

NM_001032386.2(SUOX):c.1320_1321del (p.Glu442fs)

Gene: SUOX (sulfite oxidase; plus strand). Cytogenetic location: 12q13.2.
Variant type: Deletion.
Coding change: c.1320_1321del on transcript NM_001032386.2 (MANE Select); coding-DNA positions 1320 to 1321, 2 bases deleted (AG; older notation c.1320_1321delAG).
Protein change: p.Glu442fs; shifts the reading frame from glutamic acid 442.
Molecular consequence: frameshift variant.
Genome position (GRCh38, 1-based): chr12:56,004,709-56,004,710, AG deleted. VCF-style (leftmost placement, unchanged base first): chr12-56004708-CAG-C. GRCh37 (hg19) VCF-style: chr12-56398492-CAG-C.
Other names: c.1320_1321del, p.Glu442fs (NM_000456.3, NM_001032387.2); short protein forms E442fs.
Identifiers: ClinVar variation 2849890 (VCV002849890.3), dbSNP rs2540577678, ClinGen allele CA2575186064.

ClinVar aggregate classification (germline): Pathogenic (1 of 4 stars; one submission).

Conditions:
Sulfite oxidase deficiency. Also called: Isolated sulfite oxidase deficiency. Identifiers: Orphanet 833, Orphanet 99731, MedGen C0268624, MONDO:0010089, OMIM 272300, HP:0003643.

Allele frequency attached by ClinVar (database versions not stated): gnomAD exomes 0.00001.

Submission:

Labcorp Genetics (formerly Invitae), Labcorp
Classification: Pathogenic for Sulfite oxidase deficiency. Last evaluated: 2023-03-26. Review status: criteria provided, single submitter. Criteria: Invitae Variant Classification Sherloc (09022015). Collection method: clinical testing. Allele origin: germline.
Comment: For these reasons, this variant has been classified as Pathogenic. This variant disrupts a region of the SUOX protein in which other variant(s) (p.Gln471Argfs*23) have been determined to be pathogenic (Invitae). This suggests that this is a clinically significant region of the protein, and that variants that disrupt it are likely to be disease-causing. This variant has not been reported in the literature in individuals affected with SUOX-related conditions. This variant is not present in population databases (gnomAD no frequency). This sequence change creates a premature translational stop signal (p.Glu442Glyfs*32) in the SUOX gene. While this is not anticipated to result in nonsense mediated decay, it is expected to disrupt the last 104 amino acid(s) of the SUOX protein.